The following is an entry in ClinVar:

ClinVar aggregate classification (germline): Uncertain significance. Review status: criteria provided, multiple submitters, no conflicts (2 of 4 stars). 2 submissions from 2 submitters: Uncertain significance (2). Last evaluated 2025-07-07.

Conditions:
Inborn genetic diseases. Identifiers: MedGen C0950123, MeSH D030342.

Allele frequency attached by ClinVar (database versions not stated): gnomAD exomes below 0.00001; gnomAD 0.00001; ExAC 0.00002; ESP Exome Variant Server 0.00008.
gnomAD v4.1: 9 of 1,611,830 alleles (0.00056%); highest among the groups gnomAD compares: South Asian, 0.0033%; no homozygotes.

Submissions (2):

Labcorp Genetics (formerly Invitae), Labcorp
Classification: Uncertain significance. Last evaluated: 2025-07-07. Review status: criteria provided, single submitter. Criteria: Invitae Variant Classification Sherloc (09022015). Collection method: clinical testing. Allele origin: germline.
Comment: This sequence change replaces arginine, which is basic and polar, with histidine, which is basic and polar, at codon 621 of the EMC1 protein (p.Arg621His). This variant is present in population databases (rs368763123, gnomAD 0.003%). This variant has not been reported in the literature in individuals affected with EMC1-related conditions. ClinVar contains an entry for this variant (Variation ID: 1025925). Invitae Evidence Modeling of protein sequence and biophysical properties (such as structural, functional, and spatial information, amino acid conservation, physicochemical variation, residue mobility, and thermodynamic stability) has been performed for this missense variant. However, the output from this modeling did not meet the statistical confidence thresholds required to predict the impact of this variant on EMC1 protein function. In summary, the available evidence is currently insufficient to determine the role of this variant in disease. Therefore, it has been classified as a Variant of Uncertain Significance.

Ambry Genetics
Classification: Uncertain significance for Inborn genetic diseases. Last evaluated: 2021-07-15. Review status: criteria provided, single submitter. Criteria: Ambry Variant Classification Scheme 2023. Collection method: clinical testing. Allele origin: germline.

NM_015047.3(EMC1):c.1862G>A (p.Arg621His)

Genes: EMC1-AS1 (EMC1 antisense RNA 1; plus strand), EMC1 (ER membrane protein complex subunit 1; minus strand). Cytogenetic location: 1p36.13.
Variant type: single nucleotide variant.
Coding change: c.1862G>A on transcript NM_015047.3 (MANE Select); coding-DNA position 1862, G replaced by A.
Protein change: p.Arg621His; replaces arginine 621 with histidine.
Molecular consequence: missense variant.
Genome position (GRCh38, 1-based): chr1:19,231,343, C>T on the plus strand (G>A on the coding strand, the complement: EMC1 is on the minus strand). VCF-style: chr1-19231343-C-T. GRCh37 (hg19) VCF-style: chr1-19557837-C-T.
Other names: c.1859G>A, p.Arg620His (NM_001271427.2, NM_001271428.2); c.1796G>A, p.Arg599His (NM_001271429.2); c.1871G>A, p.Arg624His (NM_001375820.1); c.1868G>A, p.Arg623His (NM_001375821.1); c.1862G>A (NM_015047.1); short protein forms R599H, R620H, R621H, R623H, R624H.
Identifiers: ClinVar variation 1025925 (VCV001025925.9), dbSNP rs368763123, ClinGen allele CA652478.